The following is an entry in ClinVar:

NM_024795.4(TM4SF20):c.307C>G (p.Leu103Val)

Gene: TM4SF20 (transmembrane 4 L six family member 20; minus strand). Cytogenetic location: 2q36.3.
Variant type: single nucleotide variant.
Coding change: c.307C>G on transcript NM_024795.4 (MANE Select); coding-DNA position 307, C replaced by G.
Protein change: p.Leu103Val; replaces leucine 103 with valine.
Molecular consequence: missense variant.
Genome position (GRCh38, 1-based): chr2:227,366,187, G>C on the plus strand (C>G on the coding strand, the complement: TM4SF20 is on the minus strand). VCF-style: chr2-227366187-G-C. GRCh37 (hg19) VCF-style: chr2-228230903-G-C.
Other names: short protein forms L103V.
Identifiers: ClinVar variation 1938351 (VCV001938351.5), dbSNP rs750344728, ClinGen allele CA2148227.

ClinVar aggregate classification (germline): Uncertain significance (1 of 4 stars; one submission).

Allele frequency attached by ClinVar (database versions not stated): ExAC 0.00002; TOPMed 0.00001.
gnomAD v4.1: 21 of 1,613,778 alleles (0.0013%); highest among the groups gnomAD compares: Non-Finnish European, 0.0017%; no homozygotes.

Submission:

Labcorp Genetics (formerly Invitae), Labcorp
Classification: Uncertain significance. Last evaluated: 2022-07-05. Review status: criteria provided, single submitter. Criteria: Invitae Variant Classification Sherloc (09022015). Collection method: clinical testing. Allele origin: germline.
Comment: In summary, the available evidence is currently insufficient to determine the role of this variant in disease. Therefore, it has been classified as a Variant of Uncertain Significance. Algorithms developed to predict the effect of missense changes on protein structure and function output the following: SIFT: "Not Available"; PolyPhen-2: "Benign"; Align-GVGD: "Not Available". The valine amino acid residue is found in multiple mammalian species, which suggests that this missense change does not adversely affect protein function. This variant has not been reported in the literature in individuals affected with TM4SF20-related conditions. This variant is present in population databases (rs750344728, gnomAD 0.002%). This sequence change replaces leucine, which is neutral and non-polar, with valine, which is neutral and non-polar, at codon 103 of the TM4SF20 protein (p.Leu103Val).